The following is an entry in ClinVar:

NM_014991.6(WDFY3):c.9711_9714del (p.Asp3238fs)

Gene: WDFY3 (WD repeat and FYVE domain containing 3; minus strand). Cytogenetic location: 4q21.23.
Variant type: Deletion.
Coding change: c.9711_9714del on transcript NM_014991.6 (MANE Select); coding-DNA positions 9711 to 9714, 4 bases deleted (AGAT; older notation c.9711_9714delAGAT).
Protein change: p.Asp3238fs; shifts the reading frame from aspartic acid 3238.
Molecular consequence: frameshift variant.
Genome position (GRCh38, 1-based): chr4:84,683,955-84,683,958, ATCT deleted on the plus strand (AGAT on the coding strand, the reverse complement: WDFY3 is on the minus strand). VCF-style (leftmost placement, unchanged base first): chr4-84683954-CATCT-C. GRCh37 (hg19) VCF-style: chr4-85605107-CATCT-C.
Other names: short protein forms D3238fs.
Identifiers: ClinVar variation 1325765 (VCV001325765.3), dbSNP rs2148797710, ClinGen allele CA658788670.

ClinVar aggregate classification (germline): Likely pathogenic. Review status: criteria provided, multiple submitters, no conflicts (2 of 4 stars). 2 submissions from 2 submitters: Likely pathogenic (2). Last evaluated 2019-07-30.

Conditions:
Neurodevelopmental delay. Identifiers: MedGen C4022738, HP:0012758.
Microcephaly 18, primary, autosomal dominant (MCPH18). Identifiers: MedGen C4479608, MONDO:0054593, OMIM 617520.

Submissions (2):

Institute of Human Genetics, University of Leipzig Medical Center
Classification: Likely pathogenic for Neurodevelopmental delay. Last evaluated: 2019-07-30. Review status: criteria provided, single submitter. Criteria: ACMG Guidelines, 2015. Collection method: research. Allele origin: paternal. Affected: yes.

Juno Genomics, Hangzhou Juno Genomics, Inc
Classification: Likely pathogenic for Microcephaly 18, primary, autosomal dominant. Review status: criteria provided, single submitter. Criteria: ACMG Guidelines, 2015. Collection method: clinical testing. Allele origin: germline.
Comment: Null variant in a gene where loss of function (LOF) is a known mechanism of disease.;Absent from controls (or at extremely low frequency if recessive) in Genome Aggregation Database.

Literature cited by the submitters: PubMed 31327001 (cited by Institute of Human Genetics, University of Leipzig Medical Center).